The following is an entry in ClinVar:

NM_000256.3(MYBPC3):c.1816_1842del (p.Val606_Tyr614del)

Gene: MYBPC3 (myosin binding protein C3; minus strand). Cytogenetic location: 11p11.2.
Variant type: Deletion.
Coding change: c.1816_1842del on transcript NM_000256.3 (MANE Select); coding-DNA positions 1816 to 1842, 27 bases deleted (GTCACACCTGCCGACGAGGCTGACTAC).
Protein change: p.Val606_Tyr614del.
Molecular consequence: inframe deletion.
Genome position (GRCh38, 1-based): chr11:47,341,193-47,341,219, GTAGTCAGCCTCGTCGGCAGGTGTGAC deleted on the plus strand (GTCACACCTGCCGACGAGGCTGACTAC on the coding strand, the reverse complement: MYBPC3 is on the minus strand); deleting any 27 consecutive bases within chr11:47,341,193-47,341,221 gives the same sequence; the c. name uses the placement nearest the transcript's 3' end. VCF-style (leftmost placement, unchanged base first): chr11-47341192-TGTAGTCAGCCTCGTCGGCAGGTGTGAC-T. GRCh37 (hg19) VCF-style: chr11-47362743-TGTAGTCAGCCTCGTCGGCAGGTGTGAC-T.
Other names: c.1816_1842del, p.Val606_Tyr614del (LRG_386t1); c.1816_1842delGTCACACCTGCCGACGAGGCTGACTAC (NM_000256.3).
Identifiers: ClinVar variation 638910 (VCV000638910.8), dbSNP rs1595845565, ClinGen allele CA915948153.

ClinVar aggregate classification (germline): Pathogenic (1 of 4 stars; one submission).

Conditions:
Hypertrophic cardiomyopathy. Also called: HYPERTROPHIC MYOCARDIOPATHY. Identifiers: Orphanet 217569, MedGen C0007194, MeSH D002312, MONDO:0005045, HP:0001639.

Submission:

Labcorp Genetics (formerly Invitae), Labcorp
Classification: Pathogenic for Hypertrophic cardiomyopathy. Last evaluated: 2023-07-14. Review status: criteria provided, single submitter. Criteria: Invitae Variant Classification Sherloc (09022015). Collection method: clinical testing. Allele origin: germline.
Comment: This variant is not present in population databases (gnomAD no frequency). This variant, c.1816_1842del, results in the deletion of 9 amino acid(s) of the MYBPC3 protein (p.Val606_Tyr614del), but otherwise preserves the integrity of the reading frame. This variant has not been reported in the literature in individuals affected with MYBPC3-related conditions. ClinVar contains an entry for this variant (Variation ID: 638910). Experimental studies and prediction algorithms are not available or were not evaluated, and the functional significance of this variant is currently unknown. This variant disrupts a region of the MYBPC3 protein in which other variant(s) (p.Asp610His) have been determined to be pathogenic (PMID: 18533079, 20624503, 22361390, 25740977, 28074886, 28356264, 29032884). This suggests that this is a clinically significant region of the protein, and that variants that disrupt it are likely to be disease-causing. For these reasons, this variant has been classified as Pathogenic.

Literature cited by the submitters: PubMed 18533079; PubMed 20624503; PubMed 22361390; PubMed 25740977; PubMed 28074886; PubMed 28356264; PubMed 29032884.